The following is an entry in ClinVar:

NM_173630.4(RTTN):c.1154C>G (p.Ser385Cys)

Gene: RTTN (rotatin; minus strand). Cytogenetic location: 18q22.2.
Variant type: single nucleotide variant.
Coding change: c.1154C>G on transcript NM_173630.4 (MANE Select); coding-DNA position 1154, C replaced by G.
Protein change: p.Ser385Cys; replaces serine 385 with cysteine.
Molecular consequence: missense variant. On other transcripts: 5 prime UTR variant (1).
Genome position (GRCh38, 1-based): chr18:70,190,573, G>C on the plus strand (C>G on the coding strand, the complement: RTTN is on the minus strand). VCF-style: chr18-70190573-G-C. GRCh37 (hg19) VCF-style: chr18-67857809-G-C.
Other names: c.-1400C>G (NM_001318520.2); short protein forms S385C.
Identifiers: ClinVar variation 2065747 (VCV002065747.4), dbSNP rs565928291, ClinGen allele CA8996260.

ClinVar aggregate classification (germline): Uncertain significance. Review status: criteria provided, multiple submitters, no conflicts (2 of 4 stars). 2 submissions from 2 submitters: Uncertain significance (2). Last evaluated 2026-04-01.

Allele frequency attached by ClinVar (database versions not stated): ExAC 0.00002; gnomAD exomes 0.00002; gnomAD 0.00003.
gnomAD v4.1: 31 of 1,613,740 alleles (0.0019%); highest among the groups gnomAD compares: Middle Eastern, 0.033%; no homozygotes.

Submissions (2):

CeGaT Center for Human Genetics Tuebingen
Classification: Uncertain significance. Last evaluated: 2026-04-01. Review status: criteria provided, single submitter. Criteria: CeGaT Center For Human Genetics Tuebingen Variant Classification Criteria Version 2. Collection method: clinical testing. Allele origin: germline. Affected: yes. Observed: 1 variant allele.
Comment: RTTN: PM2, PM3:Supporting, BP4

Labcorp Genetics (formerly Invitae), Labcorp
Classification: Uncertain significance. Last evaluated: 2022-01-17. Review status: criteria provided, single submitter. Criteria: Invitae Variant Classification Sherloc (09022015). Collection method: clinical testing. Allele origin: germline.
Comment: This variant is present in population databases (rs565928291, gnomAD 0.03%). In summary, the available evidence is currently insufficient to determine the role of this variant in disease. Therefore, it has been classified as a Variant of Uncertain Significance. Algorithms developed to predict the effect of missense changes on protein structure and function output the following: SIFT: "Tolerated"; PolyPhen-2: "Benign"; Align-GVGD: "Class C0". The cysteine amino acid residue is found in multiple mammalian species, which suggests that this missense change does not adversely affect protein function. This variant has not been reported in the literature in individuals affected with RTTN-related conditions. This sequence change replaces serine, which is neutral and polar, with cysteine, which is neutral and slightly polar, at codon 385 of the RTTN protein (p.Ser385Cys).